The following is an entry in ClinVar:

ClinVar aggregate classification (germline): Benign (1 of 4 stars; one submission).

Allele frequency attached by ClinVar (database versions not stated): 1000 Genomes Project 30x 0.61337; 1000 Genomes Project 0.61502; TOPMed 0.71711; gnomAD 0.73457 and 0.73549.
gnomAD v4.1: 112,108 of 152,234 alleles (74%); highest among the groups gnomAD compares: Non-Finnish European, 88%; 44,420 homozygotes.

Submission:

GeneDx
Classification: Benign. Last evaluated: 2018-06-14. Review status: criteria provided, single submitter. Criteria: GeneDx Variant Classification (06012015). Collection method: clinical testing. Allele origin: germline. Affected: yes.
Comment: This variant is considered likely benign or benign based on one or more of the following criteria: it is a conservative change, it occurs at a poorly conserved position in the protein, it is predicted to be benign by multiple in silico algorithms, and/or has population frequency not consistent with disease.

NM_004553.6(NDUFS6):c.132+273A>G

Gene: NDUFS6 (NADH:ubiquinone oxidoreductase subunit S6; plus strand). Cytogenetic location: 5p15.33.
Variant type: single nucleotide variant.
Coding change: c.132+273A>G on transcript NM_004553.6 (MANE Select); 273 bases into the intron after coding-DNA position 132, A replaced by G.
Molecular consequence: intron variant.
Genome position (GRCh38, 1-based): chr5:1,801,822, A>G. VCF-style: chr5-1801822-A-G. GRCh37 (hg19) VCF-style: chr5-1801936-A-G.
Identifiers: ClinVar variation 683110 (VCV000683110.1), dbSNP rs974722, ClinGen allele CA15383253.